The following is an entry in ClinVar:

NM_001365951.3(KIF1B):c.3044-10del

Gene: KIF1B (kinesin family member 1B; plus strand). Cytogenetic location: 1p36.22.
Variant type: Deletion.
Coding change: c.3044-10del on transcript NM_001365951.3 (MANE Select); 10 bases into the intron before coding-DNA position 3044, one base deleted (T; older notation c.3044-10delT).
Molecular consequence: intron variant.
Genome position (GRCh38, 1-based): chr1:10,336,647, T deleted; the last of 9 consecutive T bases (chr1:10,336,639-10,336,647); deleting any one gives the same sequence. VCF-style (leftmost placement, unchanged base first): chr1-10336638-AT-A. GRCh37 (hg19) VCF-style: chr1-10396696-AT-A.
Other names: c.2906-10delT (NM_015074.3); c.2906-10del (NM_015074.3); c.3044-10del (NM_001365952.1).
Identifiers: ClinVar variation 1545545 (VCV001545545.10), dbSNP rs758417740, ClinGen allele CA581694.

ClinVar aggregate classification (germline): Benign. Review status: criteria provided, single submitter (1 of 4 stars). 2 submissions from 2 submitters: Benign (1). 1 of the submissions does not count toward it. Last evaluated 2026-01-11.

Conditions:
Charcot-Marie-Tooth disease type 2. Also called: Charcot-Marie-Tooth type 2. Identifiers: Orphanet 64746, MedGen C0270914, MONDO:0018993.
KIF1B-related disorder. Also called: KIF1B-related condition.

Submissions (2):

Labcorp Genetics (formerly Invitae), Labcorp
Classification: Benign for Charcot-Marie-Tooth disease type 2. Last evaluated: 2026-01-11. Review status: criteria provided, single submitter. Criteria: Invitae Variant Classification Sherloc (09022015). Collection method: clinical testing. Allele origin: germline.

PreventionGenetics, part of Exact Sciences
Classification: Likely benign for KIF1B-related condition. Last evaluated: 2023-01-23. Review status: no assertion criteria provided. Collection method: clinical testing. Allele origin: germline. Not counted in ClinVar's aggregate classification.
Comment: This variant is classified as likely benign based on ACMG/AMP sequence variant interpretation guidelines (Richards et al. 2015 PMID: 25741868, with internal and published modifications).